The following is an entry in ClinVar:

ClinVar aggregate classification (germline): Likely benign (1 of 4 stars; one submission).

Conditions:
FXR1-related condition.

gnomAD v4.1: 57 of 1,607,714 alleles (0.0035%); highest among the groups gnomAD compares: African/African-American, 0.055%; no homozygotes.

Submission:

PreventionGenetics, part of Exact Sciences
Classification: Likely benign for FXR1-related condition. Last evaluated: 2026-09-01. Review status: criteria provided, single submitter. Criteria: ACMG Guidelines, 2015. Collection method: clinical testing. Allele origin: germline.
Comment: This variant is classified as likely benign based on ACMG/AMP sequence variant interpretation guidelines (Richards et al. 2015 PMID: 25741868, with internal and published modifications).

NM_005087.4(FXR1):c.387C>T (p.Cys129=)

Gene: FXR1 (FMR1 autosomal homolog 1; plus strand). Cytogenetic location: 3q26.33.
Variant type: single nucleotide variant.
Coding change: c.387C>T on transcript NM_005087.4 (MANE Select); coding-DNA position 387, C replaced by T.
Protein change: p.Cys129=; no amino-acid change (cysteine 129 retained).
Molecular consequence: synonymous variant.
Genome position (GRCh38, 1-based): chr3:180,948,463, C>T. VCF-style: chr3-180948463-C-T. GRCh37 (hg19) VCF-style: chr3-180666251-C-T.
Other names: c.387C>T, p.Cys129= (NM_001013438.3, NM_001441509.1, NM_001441510.1 and 3 more transcripts); c.132C>T, p.Cys44= (NM_001013439.3, NM_001363882.1); c.240C>T, p.Cys80= (NM_001441515.1).
Identifiers: ClinVar variation 4981873 (VCV004981873.1).